The following is an entry in ClinVar:

NM_001244008.2(KIF1A):c.16G>C (p.Val6Leu)

Gene: KIF1A (kinesin family member 1A; minus strand). Cytogenetic location: 2q37.3.
Variant type: single nucleotide variant.
Coding change: c.16G>C on transcript NM_001244008.2 (MANE Select); coding-DNA position 16, G replaced by C.
Protein change: p.Val6Leu; replaces valine 6 with leucine.
Molecular consequence: missense variant.
Genome position (GRCh38, 1-based): chr2:240,797,737, C>G on the plus strand (G>C on the coding strand, the complement: KIF1A is on the minus strand). VCF-style: chr2-240797737-C-G. GRCh37 (hg19) VCF-style: chr2-241737154-C-G.
Other names: c.16G>C, p.Val6Leu (NM_001320705.2, NM_001330289.2, NM_001330290.2 and 21 more transcripts); short protein forms V6L.
Identifiers: ClinVar variation 2942506 (VCV002942506.3), dbSNP rs2538657193, ClinGen allele CA351316108.

ClinVar aggregate classification (germline): Uncertain significance (1 of 4 stars; one submission).

Conditions:
Neuropathy, hereditary sensory, type 2C. Also called: KIF1A-Related HSAN2 (HSAN2C); Hereditary sensory and autonomic neuropathy type IIC. Identifiers: Orphanet 970, MedGen C3280168, MONDO:0013634, OMIM 614213.
Hereditary spastic paraplegia 30. Identifiers: Orphanet 101010, MedGen C5235139, MONDO:0012476.
Intellectual disability, autosomal dominant 9 (NESCAVS). Also called: NESCAV SYNDROME; KIF1A-Related Neurodevelopmental Disorder. Identifiers: Orphanet 662367, MedGen C5393830, MONDO:0013656, OMIM 614255.

Submission:

Labcorp Genetics (formerly Invitae), Labcorp
Classification: Uncertain significance for Hereditary spastic paraplegia 30; Neuropathy, hereditary sensory, type 2C; Intellectual disability, autosomal dominant 9. Last evaluated: 2022-12-20. Review status: criteria provided, single submitter. Criteria: Invitae Variant Classification Sherloc (09022015). Collection method: clinical testing. Allele origin: germline.
Comment: This sequence change replaces valine, which is neutral and non-polar, with leucine, which is neutral and non-polar, at codon 6 of the KIF1A protein (p.Val6Leu). This variant is not present in population databases (gnomAD no frequency). This variant has not been reported in the literature in individuals affected with KIF1A-related conditions. Advanced modeling of protein sequence and biophysical properties (such as structural, functional, and spatial information, amino acid conservation, physicochemical variation, residue mobility, and thermodynamic stability) performed at Invitae indicates that this missense variant is expected to disrupt KIF1A protein function. In summary, the available evidence is currently insufficient to determine the role of this variant in disease. Therefore, it has been classified as a Variant of Uncertain Significance.